The following is an entry in ClinVar:

ClinVar aggregate classification (germline): Uncertain significance (1 of 4 stars; one submission).

Allele frequency attached by ClinVar (database versions not stated): gnomAD exomes below 0.00001 and 0.00001.
gnomAD v4.1: 4 of 1,540,756 alleles (0.00026%); highest among the groups gnomAD compares: Non-Finnish European, 0.00026%; no homozygotes.

Submission:

GeneDx
Classification: Uncertain significance. Last evaluated: 2020-02-18. Review status: criteria provided, single submitter. Criteria: GeneDx Variant Classification Process June 2021. Collection method: clinical testing. Allele origin: germline. Affected: yes.
Comment: In silico analysis supports that this missense variant does not alter protein structure/function; Has not been previously published as pathogenic or benign to our knowledge

NM_018026.4(PACS1):c.136A>G (p.Thr46Ala)

Gene: PACS1 (phosphofurin acidic cluster sorting protein 1; plus strand). Cytogenetic location: 11q13.1.
Variant type: single nucleotide variant.
Coding change: c.136A>G on transcript NM_018026.4 (MANE Select); coding-DNA position 136, A replaced by G.
Protein change: p.Thr46Ala; replaces threonine 46 with alanine.
Molecular consequence: missense variant.
Genome position (GRCh38, 1-based): chr11:66,070,622, A>G. VCF-style: chr11-66070622-A-G. GRCh37 (hg19) VCF-style: chr11-65838093-A-G.
Other names: short protein forms T46A.
Identifiers: ClinVar variation 1315449 (VCV001315449.2), dbSNP rs1334897479, ClinGen allele CA381507647.
Genomic context (GRCh38, chr11:66,070,622, plus strand): 5'-GCCCAGTCCCCTCAGCAGCCGCCGCCGCAGCAGCAGCAGCAGCAGCCGCCGCAGCAGCCG[A>G]CGCCCCCCAAGCTGGCCCAGGCCACCTCGTCGTCCTCGTCCACCTCGGCGGCGGCTGCCT-3'
Protein context (NP_060496.2, residues 36-56): QQQQQPPQQP[Thr46Ala]PPKLAQATSS